The following is an entry in ClinVar:

ClinVar aggregate classification (germline): Uncertain significance (1 of 4 stars; one submission).

Conditions:
Peroxisome biogenesis disorder 3A (Zellweger). Also called: PEROXISOMAL BIOGENESIS DISORDER 3A (ZELLWEGER); Peroxisome biogenesis disorder 3A. Identifiers: Orphanet 912, MedGen C3553929, MONDO:0013927, OMIM 614859.

Submission:

Labcorp Genetics (formerly Invitae), Labcorp
Classification: Uncertain significance for Peroxisome biogenesis disorder 3A (Zellweger). Last evaluated: 2024-01-15. Review status: criteria provided, single submitter. Criteria: Invitae Variant Classification Sherloc (09022015). Collection method: clinical testing. Allele origin: germline.
Comment: This sequence change replaces isoleucine, which is neutral and non-polar, with methionine, which is neutral and non-polar, at codon 182 of the PEX12 protein (p.Ile182Met). This variant is not present in population databases (gnomAD no frequency). This variant has not been reported in the literature in individuals affected with PEX12-related conditions. ClinVar contains an entry for this variant (Variation ID: 2157424). Advanced modeling of protein sequence and biophysical properties (such as structural, functional, and spatial information, amino acid conservation, physicochemical variation, residue mobility, and thermodynamic stability) performed at Invitae indicates that this missense variant is not expected to disrupt PEX12 protein function with a negative predictive value of 80%. In summary, the available evidence is currently insufficient to determine the role of this variant in disease. Therefore, it has been classified as a Variant of Uncertain Significance.

NM_000286.3(PEX12):c.546C>G (p.Ile182Met)

Gene: PEX12 (peroxisomal biogenesis factor 12; minus strand). Cytogenetic location: 17q12.
Variant type: single nucleotide variant.
Coding change: c.546C>G on transcript NM_000286.3 (MANE Select); coding-DNA position 546, C replaced by G.
Protein change: p.Ile182Met; replaces isoleucine 182 with methionine.
Molecular consequence: missense variant.
Genome position (GRCh38, 1-based): chr17:35,577,172, G>C on the plus strand (C>G on the coding strand, the complement: PEX12 is on the minus strand). VCF-style: chr17-35577172-G-C. GRCh37 (hg19) VCF-style: chr17-33904191-G-C.
Other names: short protein forms I182M.
Identifiers: ClinVar variation 2157424 (VCV002157424.2), dbSNP rs2509169703, ClinGen allele CA399137897.
Genomic context (GRCh38, chr17:35,577,172, plus strand): 5'-TCGACCTAGCTGAACTCCAGCCAGCCTCAGCAGTGGTGAGTGATGCTGAGCTTTTCCTAG[G>C]ATGTATCGAAGTTGTTGTACAAGAAACCATCCTTCCCAGGCCATGTTCACAAATGGGTAG-3'
Protein context (NP_000277.1, residues 172-192): GWFLVQQLRY[Ile182Met]LGKAQHHSPL